The following is an entry in ClinVar:

NM_003482.4(KMT2D):c.6179A>G (p.Tyr2060Cys)

Gene: KMT2D (lysine methyltransferase 2D; minus strand). Cytogenetic location: 12q13.12.
Variant type: single nucleotide variant.
Coding change: c.6179A>G on transcript NM_003482.4 (MANE Select); coding-DNA position 6179, A replaced by G.
Protein change: p.Tyr2060Cys; replaces tyrosine 2060 with cysteine.
Molecular consequence: missense variant.
Genome position (GRCh38, 1-based): chr12:49,041,921, T>C on the plus strand (A>G on the coding strand, the complement: KMT2D is on the minus strand). VCF-style: chr12-49041921-T-C. GRCh37 (hg19) VCF-style: chr12-49435704-T-C.
Other names: short protein forms Y2060C.
Identifiers: ClinVar variation 3635148 (VCV003635148.2).

ClinVar aggregate classification (germline): Uncertain significance (1 of 4 stars; one submission).

Conditions:
Kabuki syndrome. Also called: NIIKAWA-KUROKI SYNDROME; Kabuki make-up syndrome. Identifiers: Orphanet 2322, MedGen C0796004, MONDO:0016512.

Submission:

Labcorp Genetics (formerly Invitae), Labcorp
Classification: Uncertain significance for Kabuki syndrome. Last evaluated: 2025-01-29. Review status: criteria provided, single submitter. Criteria: Invitae Variant Classification Sherloc (09022015). Collection method: clinical testing. Allele origin: germline.
Comment: This sequence change replaces tyrosine, which is neutral and polar, with cysteine, which is neutral and slightly polar, at codon 2060 of the KMT2D protein (p.Tyr2060Cys). This variant is not present in population databases (gnomAD no frequency). This variant has not been reported in the literature in individuals affected with KMT2D-related conditions. Invitae Evidence Modeling of protein sequence and biophysical properties (such as structural, functional, and spatial information, amino acid conservation, physicochemical variation, residue mobility, and thermodynamic stability) has been performed for this missense variant. However, the output from this modeling did not meet the statistical confidence thresholds required to predict the impact of this variant on KMT2D protein function. In summary, the available evidence is currently insufficient to determine the role of this variant in disease. Therefore, it has been classified as a Variant of Uncertain Significance.